The following is an entry in ClinVar:

NM_004958.4(MTOR):c.5221C>A (p.Gln1741Lys)

Gene: MTOR (mechanistic target of rapamycin kinase; minus strand). Cytogenetic location: 1p36.22.
Variant type: single nucleotide variant.
Coding change: c.5221C>A on transcript NM_004958.4 (MANE Select); coding-DNA position 5221, C replaced by A.
Protein change: p.Gln1741Lys; replaces glutamine 1741 with lysine.
Molecular consequence: missense variant.
Genome position (GRCh38, 1-based): chr1:11,134,376, G>T on the plus strand (C>A on the coding strand, the complement: MTOR is on the minus strand). VCF-style: chr1-11134376-G-T. GRCh37 (hg19) VCF-style: chr1-11194433-G-T.
Other names: c.5221C>A, p.Gln1741Lys (NM_001386500.1); c.3973C>A, p.Gln1325Lys (NM_001386501.1); short protein forms Q1325K, Q1741K.
Identifiers: ClinVar variation 3906274 (VCV003906274.1).

ClinVar aggregate classification (germline): Uncertain significance (1 of 4 stars; one submission).

Submission:

GeneDx
Classification: Uncertain significance. Last evaluated: 2024-12-20. Review status: criteria provided, single submitter. Criteria: GeneDx Variant Classification Process June 2021. Collection method: clinical testing. Allele origin: germline. Affected: yes.
Comment: Not observed at significant frequency in large population cohorts (gnomAD); In silico analysis indicates that this missense variant does not alter protein structure/function; Has not been previously published as pathogenic or benign to our knowledge